The following is an entry in ClinVar:

ClinVar aggregate classification (germline): Uncertain significance (1 of 4 stars; one submission).

Submission:

Labcorp Genetics (formerly Invitae), Labcorp
Classification: Uncertain significance. Last evaluated: 2021-02-17. Review status: criteria provided, single submitter. Criteria: Invitae Variant Classification Sherloc (09022015). Collection method: clinical testing. Allele origin: germline.
Comment: Algorithms developed to predict the effect of missense changes on protein structure and function are either unavailable or do not agree on the potential impact of this missense change (SIFT: "Tolerated"; PolyPhen-2: "Possibly Damaging"; Align-GVGD: "Class C15"). In summary, the available evidence is currently insufficient to determine the role of this variant in disease. Therefore, it has been classified as a Variant of Uncertain Significance. This variant has been observed in individual(s) with clinical features of cone-rod dystrophy (Invitae). ClinVar contains an entry for this variant (Variation ID: 853992). This sequence change replaces proline with serine at codon 182 of the RAX2 protein (p.Pro182Ser). The proline residue is highly conserved and there is a moderate physicochemical difference between proline and serine. The frequency data for this variant in the population databases is considered unreliable, as metrics indicate insufficient coverage at this position in the ExAC database.

NM_001319074.4(RAX2):c.544C>T (p.Pro182Ser)

Gene: RAX2 (retina and anterior neural fold homeobox 2; minus strand). Cytogenetic location: 19p13.3.
Variant type: single nucleotide variant.
Coding change: c.544C>T on transcript NM_001319074.4 (MANE Select); coding-DNA position 544, C replaced by T.
Protein change: p.Pro182Ser; replaces proline 182 with serine.
Molecular consequence: missense variant.
Genome position (GRCh38, 1-based): chr19:3,770,632, G>A on the plus strand (C>T on the coding strand, the complement: RAX2 is on the minus strand). VCF-style: chr19-3770632-G-A. GRCh37 (hg19) VCF-style: chr19-3770630-G-A.
Other names: c.544C>T, p.Pro182Ser (NM_032753.4); short protein forms P182S.
Identifiers: ClinVar variation 853992 (VCV000853992.9), dbSNP rs1285206637, ClinGen allele CA403373929.